The following is an entry in ClinVar:

ClinVar aggregate classification (germline): Uncertain significance (1 of 4 stars; one submission).

Conditions:
TTN-related disorder. Also called: TTN-related disorders; TTN-related condition; TTN-related disease.

gnomAD v4.1: 4 of 1,614,032 alleles (0.00025%); highest among the groups gnomAD compares: South Asian, 0.0033%; no homozygotes.

Submission:

3billion
Classification: Uncertain significance for TTN-related disorder. Last evaluated: 2025-12-18. Review status: criteria provided, single submitter. Criteria: ACMG Guidelines, 2015. Collection method: clinical testing. Allele origin: germline. Affected: yes.
Comment: The variant is observed at an extremely low frequency in the gnomAD v4.1.0 dataset (total allele frequency: <0.001%). Predicted Consequence/Location: Missense variant. The majority of the known disease-causing variants of this gene are variants expected to result in premature termination of the protein. In silico tool predictions suggest damaging effect of the variant on gene or gene product [REVEL: 0.82 (>=0.6, sensitivity 0.68 and specificity 0.92)]. Different missense changes at the same codon have been reported as of uncertain significance (ClinVar ID: VCV000047630). Therefore, this variant is classified as VUS according to the recommendation of ACMG/AMP guideline.

NM_001267550.2(TTN):c.9290T>G (p.Leu3097Arg)

Gene: TTN (titin; minus strand). Cytogenetic location: 2q31.2.
Variant type: single nucleotide variant.
Coding change: c.9290T>G on transcript NM_001267550.2 (MANE Select); coding-DNA position 9290, T replaced by G.
Protein change: p.Leu3097Arg; replaces leucine 3097 with arginine.
Molecular consequence: missense variant.
Genome position (GRCh38, 1-based): chr2:178,768,029, A>C on the plus strand (T>G on the coding strand, the complement: TTN is on the minus strand). VCF-style: chr2-178768029-A-C. GRCh37 (hg19) VCF-style: chr2-179632756-A-C.
Other names: c.9290T>G, p.Leu3097Arg (NM_001256850.1, NM_133378.4, NM_133379.5); c.9152T>G, p.Leu3051Arg (NM_003319.4, NM_133432.3, NM_133437.4); short protein forms L3051R, L3097R.
Identifiers: ClinVar variation 4855699 (VCV004855699.1).